The following is an entry in ClinVar:

ClinVar aggregate classification (germline): Uncertain significance (1 of 4 stars; one submission).

Conditions:
Familial cancer of breast. Also called: Hereditary breast cancer; BREAST CANCER, FAMILIAL; hereditary breast carcinoma. Identifiers: Orphanet 227535, MedGen C0346153, MONDO:0016419, OMIM 114480. Disease mechanism: loss of function.

Submission:

Labcorp Genetics (formerly Invitae), Labcorp
Classification: Uncertain significance for Familial cancer of breast. Last evaluated: 2022-10-31. Review status: criteria provided, single submitter. Criteria: Invitae Variant Classification Sherloc (09022015). Collection method: clinical testing. Allele origin: germline.
Comment: In summary, the available evidence is currently insufficient to determine the role of this variant in disease. Therefore, it has been classified as a Variant of Uncertain Significance. Experimental studies and prediction algorithms are not available or were not evaluated, and the functional significance of this variant is currently unknown. This variant has not been reported in the literature in individuals affected with BARD1-related conditions. This variant results in a copy number gain of the genomic region encompassing exon(s) 2-11 of the BARD1 gene. This region includes the termination codon of the gene. This copy number gain extends beyond the assayed region for this gene and therefore may encompass additional genes. As the precise location of this event is unknown, it may be in tandem or it may be located elsewhere in the genome.

NC_000002.11:g.(?_215593400)_(215661851_?)dup

Gene: BARD1 (BRCA1 associated RING domain 1; minus strand). Cytogenetic location: 2q35.
Variant type: Duplication.
Identifiers: ClinVar variation 1060934 (VCV001060934.4).